The following is an entry in ClinVar:

NM_000142.5(FGFR3):c.1366G>A (p.Glu456Lys)

Gene: FGFR3 (fibroblast growth factor receptor 3; plus strand). Cytogenetic location: 4p16.3.
Variant type: single nucleotide variant.
Coding change: c.1366G>A on transcript NM_000142.5 (MANE Select); coding-DNA position 1366, G replaced by A.
Protein change: p.Glu456Lys; replaces glutamic acid 456 with lysine.
Molecular consequence: missense variant. On other transcripts: non-coding transcript variant (1).
Genome position (GRCh38, 1-based): chr4:1,804,923, G>A. VCF-style: chr4-1804923-G-A. GRCh37 (hg19) VCF-style: chr4-1806650-G-A.
Other names: c.1372G>A, p.Glu458Lys (NM_001163213.2); c.1369G>A, p.Glu457Lys (NM_001354809.2, NM_001354810.2); c.1030G>A, p.Glu344Lys (NM_022965.4); short protein forms E456K, E458K, E457K, E344K.
Identifiers: ClinVar variation 592064 (VCV000592064.9), dbSNP rs1201375716, ClinGen allele CA355980488.

ClinVar aggregate classification (germline): Uncertain significance. Review status: criteria provided, multiple submitters, no conflicts (2 of 4 stars). 3 submissions from 3 submitters: Uncertain significance (2). 1 of the submissions does not count toward it. Last evaluated 2021-04-09.

Allele frequency attached by ClinVar (database versions not stated): gnomAD exomes 0.00001; TOPMed 0.00002.
gnomAD v4.1: 17 of 1,549,980 alleles (0.0011%); highest among the groups gnomAD compares: Non-Finnish European, 0.0013%; no homozygotes.

Submissions (3):

Labcorp Genetics (formerly Invitae), Labcorp
Classification: Uncertain significance. Last evaluated: 2021-04-09. Review status: criteria provided, single submitter. Criteria: Invitae Variant Classification Sherloc (09022015). Collection method: clinical testing. Allele origin: germline.
Comment: In summary, the available evidence is currently insufficient to determine the role of this variant in disease. Therefore, it has been classified as a Variant of Uncertain Significance. Algorithms developed to predict the effect of missense changes on protein structure and function (SIFT, PolyPhen-2, Align-GVGD) all suggest that this variant is likely to be disruptive, but these predictions have not been confirmed by published functional studies and their clinical significance is uncertain. This variant has not been reported in the literature in individuals with FGFR3-related conditions. ClinVar contains an entry for this variant (Variation ID: 592064). This variant is not present in population databases (ExAC no frequency). This sequence change replaces glutamic acid with lysine at codon 456 of the FGFR3 protein (p.Glu456Lys). The glutamic acid residue is highly conserved and there is a small physicochemical difference between glutamic acid and lysine.

Blueprint Genetics
Classification: Uncertain significance. Last evaluated: 2020-06-01. Review status: criteria provided, single submitter. Criteria: ACMG Guidelines, 2015. Collection method: clinical testing. Allele origin: germline.

Gharavi Laboratory, Columbia University
Classification: Uncertain significance. Last evaluated: 2018-09-16. Review status: no assertion criteria provided. Criteria: ACMG Guidelines, 2015. Collection method: research. Allele origin: germline. Affected: yes. Not counted in ClinVar's aggregate classification.